The following is an entry in ClinVar:

NM_000542.5(SFTPB):c.633C>T (p.Cys211=)

Gene: SFTPB (surfactant protein B; minus strand). Cytogenetic location: 2p11.2.
Variant type: single nucleotide variant.
Coding change: c.633C>T on transcript NM_000542.5 (MANE Select); coding-DNA position 633, C replaced by T.
Protein change: p.Cys211=; no amino-acid change (cysteine 211 retained).
Molecular consequence: synonymous variant.
Genome position (GRCh38, 1-based): chr2:85,665,328, G>A on the plus strand (C>T on the coding strand, the complement: SFTPB is on the minus strand). VCF-style: chr2-85665328-G-A. GRCh37 (hg19) VCF-style: chr2-85892451-G-A.
Other names: c.633C>T, p.Cys211= (NM_001367281.2, NM_198843.4).
Identifiers: ClinVar variation 337306 (VCV000337306.18), dbSNP rs35049407, ClinGen allele CA1743976.

ClinVar aggregate classification (germline): Benign/Likely benign. Review status: criteria provided, multiple submitters, no conflicts (2 of 4 stars). 5 submissions from 5 submitters: Benign (2); Likely benign (3). Last evaluated 2025-10-23.

Conditions:
Hereditary pulmonary alveolar proteinosis. Also called: Pulmonary surfactant metabolism dysfunction. Identifiers: Orphanet 264675, MedGen C3711368, MONDO:0012580.
Surfactant metabolism dysfunction, pulmonary, 1. Also called: INTERSTITIAL LUNG DISEASE DUE TO SURFACTANT PROTEIN B DEFICIENCY; INTERSTITIAL LUNG DISEASE, NONSPECIFIC, DUE TO SURFACTANT PROTEIN B DEFICIENCY; PULMONARY ALVEOLAR PROTEINOSIS, CONGENITAL, 1; Pulmonary surfactant protein B, deficiency of; Neonatal acute respiratory distress due to SP-B deficiency. Identifiers: Orphanet 217563, MedGen C1968602, MONDO:0009929, OMIM 265120.

Allele frequency attached by ClinVar (database versions not stated): gnomAD exomes 0.00035 and 0.00062; ExAC 0.00082; gnomAD 0.00232 and 0.00247; ESP Exome Variant Server 0.00246; TOPMed 0.00269; 1000 Genomes Project 30x 0.00312; 1000 Genomes Project 0.00319.
gnomAD v4.1: 890 of 1,614,108 alleles (0.055%); highest among the groups gnomAD compares: African/African-American, 0.9%; 8 homozygotes.

Submissions (5):

Labcorp Genetics (formerly Invitae), Labcorp
Classification: Benign. Last evaluated: 2025-10-23. Review status: criteria provided, single submitter. Criteria: Invitae Variant Classification Sherloc (09022015). Collection method: clinical testing. Allele origin: germline.

Blueprint Genetics
Classification: Likely benign. Last evaluated: 2024-09-13. Review status: criteria provided, single submitter. Criteria: ACMG Guidelines, 2015. Collection method: clinical testing. Allele origin: germline.

Johns Hopkins Genomics, Johns Hopkins University
Classification: Likely benign for Surfactant metabolism dysfunction, pulmonary, 1. Last evaluated: 2020-08-27. Review status: criteria provided, single submitter. Criteria: ACMG Guidelines, 2015. Collection method: clinical testing. Allele origin: germline.

Ambry Genetics
Classification: Benign for Hereditary pulmonary alveolar proteinosis. Last evaluated: 2019-07-23. Review status: criteria provided, single submitter. Criteria: Ambry Variant Classification Scheme 2023. Collection method: clinical testing. Allele origin: germline.

Illumina Laboratory Services, Illumina
Classification: Likely benign for Surfactant metabolism dysfunction, pulmonary, 1. Last evaluated: 2018-01-13. Review status: criteria provided, single submitter. Criteria: ICSL Variant Classification Criteria 13 December 2019. Collection method: clinical testing. Allele origin: germline.
Comment: This variant was observed in the ICSL laboratory as part of a predisposition screen in an ostensibly healthy population. It had not been previously curated by ICSL or reported in the Human Gene Mutation Database (HGMD: prior to June 1st, 2018), and was therefore a candidate for classification through an automated scoring system. Utilizing variant allele frequency, disease prevalence and penetrance estimates, and inheritance mode, an automated score was calculated to assess if this variant is too frequent to cause the disease. Based on the score and internal cut-off values, a variant classified as likely benign is not then subjected to further curation. The score for this variant resulted in a classification of likely benign for this disease.